The following is an entry in ClinVar:

NM_001693.4(ATP6V1B2):c.1260C>A (p.Asn420Lys)

Gene: ATP6V1B2 (ATPase H+ transporting V1 subunit B2; plus strand). Cytogenetic location: 8p21.3.
Variant type: single nucleotide variant.
Coding change: c.1260C>A on transcript NM_001693.4 (MANE Select); coding-DNA position 1260, C replaced by A.
Protein change: p.Asn420Lys; replaces asparagine 420 with lysine.
Molecular consequence: missense variant.
Genome position (GRCh38, 1-based): chr8:20,217,318, C>A. VCF-style: chr8-20217318-C-A. GRCh37 (hg19) VCF-style: chr8-20074829-C-A.
Other names: short protein forms N420K.
Identifiers: ClinVar variation 3365402 (VCV003365402.1).

ClinVar aggregate classification (germline): Uncertain significance (1 of 4 stars; one submission).

Submission:

GeneDx
Classification: Uncertain significance. Last evaluated: 2023-12-12. Review status: criteria provided, single submitter. Criteria: GeneDx Variant Classification Process June 2021. Collection method: clinical testing. Allele origin: germline. Affected: yes.
Comment: Not observed at significant frequency in large population cohorts (gnomAD); In silico analysis supports that this missense variant has a deleterious effect on protein structure/function; Has not been previously published as pathogenic or benign to our knowledge